The following is an entry in ClinVar:

NM_000051.4(ATM):c.5824G>A (p.Ala1942Thr)

Genes: ATM (ATM serine/threonine kinase; plus strand), C11orf65 (chromosome 11 open reading frame 65; minus strand). Cytogenetic location: 11q22.3.
Variant type: single nucleotide variant.
Coding change: c.5824G>A on transcript NM_000051.4 (MANE Select); coding-DNA position 5824, G replaced by A.
Protein change: p.Ala1942Thr; replaces alanine 1942 with threonine.
Molecular consequence: missense variant. On other transcripts: intron variant (2).
Genome position (GRCh38, 1-based): chr11:108,310,221, G>A. VCF-style: chr11-108310221-G-A. GRCh37 (hg19) VCF-style: chr11-108180948-G-A.
Other names: c.5824G>A, p.Ala1942Thr (NM_001351834.2); c.641-1150C>T (NM_001330368.2); c.*39-1150C>T (NM_001351110.2); short protein forms A1942T.
Identifiers: ClinVar variation 1379461 (VCV001379461.8), dbSNP rs1286443989, ClinGen allele CA382548404.
Genomic context (GRCh38, chr11:108,310,221, plus strand): 5'-CCTTCTTCAGGAACAATTTTTAATGATGCTTTCTGGCTGGATTTAAATTATCTAGAAGTT[G>A]CCAAGGTAGCTCAGTCTTGTGCTGCTCACTTTACAGCTTTACTCTATGCAGAAATCTATG-3'
Protein context (NP_000042.3, residues 1932-1952): FWLDLNYLEV[Ala1942Thr]KVAQSCAAHF

ClinVar aggregate classification (germline): Uncertain significance. Review status: criteria provided, multiple submitters, no conflicts (2 of 4 stars). 2 submissions from 2 submitters: Uncertain significance (2). Last evaluated 2025-10-27.

Conditions:
Hereditary cancer-predisposing syndrome. Also called: Tumor predisposition; Neoplastic Syndromes, Hereditary; Hereditary Cancer Syndrome; Hereditary neoplastic syndrome. Identifiers: Orphanet 140162, MedGen C0027672, MeSH D009386, MONDO:0015356.
Ataxia-telangiectasia syndrome (AT). Also called: Ataxia-telangiectasia; LOUIS-BAR SYNDROME; Ataxia-telangiectasia, complementation group D; AT, COMPLEMENTATION GROUP C; ATAXIA-TELANGIECTASIA, COMPLEMENTATION GROUP A; ATAXIA-TELANGIECTASIA, FRESNO VARIANT. Identifiers: Orphanet 100, MedGen C0004135, MONDO:0008840, OMIM 208900.

Submissions (2):

Ambry Genetics
Classification: Uncertain significance for Hereditary cancer-predisposing syndrome. Last evaluated: 2025-10-27. Review status: criteria provided, single submitter. Criteria: Ambry Variant Classification Scheme 2023. Collection method: clinical testing. Allele origin: germline.
Comment: The p.A1942T variant (also known as c.5824G>A), located in coding exon 38 of the ATM gene, results from a G to A substitution at nucleotide position 5824. The alanine at codon 1942 is replaced by threonine, an amino acid with similar properties. In an assay testing ATM function, this variant showed a functionally abnormal result (Lee KS et al. Cell, 2025 Sep;188:5081-5099.e27). This amino acid position is highly conserved in available vertebrate species. In addition, this alteration is predicted to be deleterious by in silico analysis. Based on the available evidence, the clinical significance of this variant remains unclear.

Labcorp Genetics (formerly Invitae), Labcorp
Classification: Uncertain significance for Ataxia-telangiectasia syndrome. Last evaluated: 2023-08-30. Review status: criteria provided, single submitter. Criteria: Invitae Variant Classification Sherloc (09022015). Collection method: clinical testing. Allele origin: germline.
Comment: In summary, the available evidence is currently insufficient to determine the role of this variant in disease. Therefore, it has been classified as a Variant of Uncertain Significance. This variant disrupts the p.Ala1942 amino acid residue in ATM. Other variant(s) that disrupt this residue have been determined to be pathogenic (PMID: 22649200, 24090759; Invitae). This suggests that this residue is clinically significant, and that variants that disrupt this residue are likely to be disease-causing. An algorithm developed to predict the effect of missense changes on protein structure and function (PolyPhen-2) suggests that this variant is likely to be disruptive. ClinVar contains an entry for this variant (Variation ID: 1379461). This variant has not been reported in the literature in individuals affected with ATM-related conditions. This variant is not present in population databases (gnomAD no frequency). This sequence change replaces alanine, which is neutral and non-polar, with threonine, which is neutral and polar, at codon 1942 of the ATM protein (p.Ala1942Thr).

Literature cited by the submitters: PubMed 40580951 (cited by Ambry Genetics); PubMed 22649200 (cited by Labcorp Genetics (formerly Invitae), Labcorp); PubMed 24090759 (cited by Labcorp Genetics (formerly Invitae), Labcorp).